The following is an entry in ClinVar:

ClinVar aggregate classification (germline): Uncertain significance. Review status: criteria provided, multiple submitters, no conflicts (2 of 4 stars). 2 submissions from 2 submitters: Uncertain significance (2). Last evaluated 2026-03-15.

Conditions:
Cardiovascular phenotype. Identifiers: MedGen CN230736.

gnomAD v4.1: 4 of 1,613,970 alleles (0.00025%); highest among the groups gnomAD compares: African/African-American, 0.0013%; no homozygotes.

Submissions (2):

Ambry Genetics
Classification: Uncertain significance for Cardiovascular phenotype. Last evaluated: 2026-03-15. Review status: criteria provided, single submitter. Criteria: Ambry Variant Classification Scheme 2023. Collection method: clinical testing. Allele origin: germline.
Comment: The p.T3095I variant (also known as c.9284C>T), located in coding exon 38 of the ANK2 gene, results from a C to T substitution at nucleotide position 9284. The threonine at codon 3095 is replaced by isoleucine, an amino acid with similar properties. This amino acid position is conserved. In addition, this alteration is predicted to be deleterious by in silico analysis. Based on the available evidence, the clinical significance of this variant remains unclear.

Blueprint Genetics
Classification: Uncertain significance. Last evaluated: 2017-08-01. Review status: criteria provided, single submitter. Criteria: ACMG Guidelines, 2015. Collection method: clinical testing. Allele origin: germline.

NM_001148.6(ANK2):c.9284C>T (p.Thr3095Ile)

Gene: ANK2 (ankyrin 2; plus strand). Cytogenetic location: 4q26.
Variant type: single nucleotide variant.
Coding change: c.9284C>T on transcript NM_001148.6 (MANE Select); coding-DNA position 9284, C replaced by T.
Protein change: p.Thr3095Ile; replaces threonine 3095 with isoleucine.
Molecular consequence: missense variant. On other transcripts: intron variant (68).
Genome position (GRCh38, 1-based): chr4:113,357,902, C>T. VCF-style: chr4-113357902-C-T. GRCh37 (hg19) VCF-style: chr4-114279058-C-T.
Other names: c.9050C>T, p.Thr3017Ile (NM_001386142.1); c.5684C>T, p.Thr1895Ile (NM_001386166.1); c.9425C>T, p.Thr3142Ile (NM_001386174.1); c.9401C>T, p.Thr3134Ile (NM_001386175.1); c.4412-2921C>T (NM_001386186.2, NM_001386148.2); c.4214-2921C>T (NM_001354269.3); c.4292-2921C>T (NM_001386187.2); c.4253-2921C>T (NM_001386147.1); and 35 more; short protein forms T1895I, T3017I, T3095I, T3134I, T3142I.
Identifiers: ClinVar variation 4858013 (VCV004858013.2).